The following is an entry in ClinVar:

ClinVar aggregate classification (germline): Uncertain significance. Review status: criteria provided, multiple submitters, no conflicts (2 of 4 stars). 3 submissions from 3 submitters: Uncertain significance (3). Last evaluated 2024-10-25.

Conditions:
MHC class II deficiency. Also called: Bare lymphocyte syndrome 2; BLS, TYPE II. Identifiers: Orphanet 572, MedGen C5447452, MONDO:0008855.
Inborn genetic diseases. Identifiers: MedGen C0950123, MeSH D030342.

Allele frequency attached by ClinVar (database versions not stated): gnomAD 0.00001; gnomAD exomes 0.00001 and 0.00003; ExAC 0.00002; TOPMed 0.00003; ESP Exome Variant Server 0.00008.
gnomAD v4.1: 43 of 1,614,078 alleles (0.0027%); highest among the groups gnomAD compares: Non-Finnish European, 0.0036%; 1 homozygote.

Submissions (3):

Labcorp Genetics (formerly Invitae), Labcorp
Classification: Uncertain significance for MHC class II deficiency. Last evaluated: 2024-10-25. Review status: criteria provided, single submitter. Criteria: Invitae Variant Classification Sherloc (09022015). Collection method: clinical testing. Allele origin: germline.
Comment: This sequence change replaces glycine, which is neutral and non-polar, with glutamic acid, which is acidic and polar, at codon 225 of the CIITA protein (p.Gly225Glu). This variant is present in population databases (rs371653584, gnomAD 0.002%). This variant has not been reported in the literature in individuals affected with CIITA-related conditions. ClinVar contains an entry for this variant (Variation ID: 1418495). An algorithm developed to predict the effect of missense changes on protein structure and function (PolyPhen-2) suggests that this variant is likely to be disruptive. In summary, the available evidence is currently insufficient to determine the role of this variant in disease. Therefore, it has been classified as a Variant of Uncertain Significance.

Ambry Genetics
Classification: Uncertain significance for Inborn genetic diseases. Last evaluated: 2021-08-23. Review status: criteria provided, single submitter. Criteria: Ambry Variant Classification Scheme 2023. Collection method: clinical testing. Allele origin: germline.

Blueprint Genetics
Classification: Uncertain significance. Last evaluated: 2021-08-04. Review status: criteria provided, single submitter. Criteria: ACMG Guidelines, 2015. Collection method: clinical testing. Allele origin: germline.

NM_000246.4(CIITA):c.674G>A (p.Gly225Glu)

Gene: CIITA (class II major histocompatibility complex transactivator; plus strand). Cytogenetic location: 16p13.13.
Variant type: single nucleotide variant.
Coding change: c.674G>A on transcript NM_000246.4 (MANE Select); coding-DNA position 674, G replaced by A.
Protein change: p.Gly225Glu; replaces glycine 225 with glutamic acid.
Molecular consequence: missense variant. On other transcripts: non-coding transcript variant (1).
Genome position (GRCh38, 1-based): chr16:10,902,703, G>A. VCF-style: chr16-10902703-G-A. GRCh37 (hg19) VCF-style: chr16-10996560-G-A.
Other names: c.677G>A, p.Gly226Glu (NM_001286402.1, NM_001379332.1); c.527G>A, p.Gly176Glu (NM_001286403.2, NM_001379331.1); c.530G>A, p.Gly177Glu (NM_001379330.1); c.674G>A, p.Gly225Glu (NM_001379333.1); c.605G>A, p.Gly202Glu (NM_001379334.1); c.674G>A (NM_000246.3); short protein forms G225E, G176E, G177E, G202E, G226E.
Identifiers: ClinVar variation 1418495 (VCV001418495.8), dbSNP rs371653584, ClinGen allele CA7899863.